The following is an entry in ClinVar:

NM_015355.4(SUZ12):c.2218T>C (p.Ter740Arg)

Gene: SUZ12 (SUZ12 polycomb repressive complex 2 subunit; plus strand). Cytogenetic location: 17q11.2.
Variant type: single nucleotide variant.
Coding change: c.2218T>C on transcript NM_015355.4 (MANE Select); coding-DNA position 2218, T replaced by C.
Protein change: p.Ter740Arg.
Molecular consequence: stop lost.
Genome position (GRCh38, 1-based): chr17:31,999,001, T>C. VCF-style: chr17-31999001-T-C. GRCh37 (hg19) VCF-style: chr17-30326020-T-C.
Other names: c.2149T>C, p.Ter717Arg (NM_001321207.2).
Identifiers: ClinVar variation 3371692 (VCV003371692.1).

ClinVar aggregate classification (germline): Uncertain significance (1 of 4 stars; one submission).

Submission:

GeneDx
Classification: Uncertain significance. Last evaluated: 2024-03-26. Review status: criteria provided, single submitter. Criteria: GeneDx Variant Classification Process June 2021. Collection method: clinical testing. Allele origin: germline. Affected: yes.
Comment: Not observed at significant frequency in large population cohorts (gnomAD); Stop codon loss and change to an arginine codon, leading to protein extension and the addition of 21 amino acids at the C-terminus; Has not been previously published as pathogenic or benign to our knowledge